The following is an entry in ClinVar:

ClinVar aggregate classification (germline): Pathogenic/Likely pathogenic. Review status: criteria provided, multiple submitters, no conflicts (2 of 4 stars). 4 submissions from 4 submitters: Pathogenic (1); Likely pathogenic (2). 1 of the submissions does not count toward it. Last evaluated 2026-03-17.

Conditions:
Cardiovascular phenotype. Identifiers: MedGen CN230736.
Dilated cardiomyopathy 1G (CMD1G). Identifiers: Orphanet 154, MedGen C1858763, MONDO:0011400, OMIM 604145.
Autosomal recessive limb-girdle muscular dystrophy type 2J (LGMDR10). Also called: Limb-girdle muscular dystrophy, type 2J; MUSCULAR DYSTROPHY, LIMB-GIRDLE, AUTOSOMAL RECESSIVE 10. Identifiers: Orphanet 140922, MedGen C1837342, MONDO:0012127, OMIM 608807.

Submissions (4):

GeneDx
Classification: Likely pathogenic. Last evaluated: 2026-03-17. Review status: criteria provided, single submitter. Criteria: GeneDx Variant Classification Process June 2021. Collection method: clinical testing. Allele origin: germline.
Comment: Nonsense variant predicted to result in protein truncation or nonsense mediated decay in a gene for which loss of function is a known mechanism of disease; Located in the A-band, a region of TTN for which truncating variants are significantly associated with autosomal dominant cardiomyopathy and also with autosomal recessive skeletal myopathies (PMID: 22335739, 32778822); Reported in association with cardiomyopathy in published literature; however, detailed clinical information was not provided (PMID: 39844436, 37904629); Not observed at significant frequency in large population cohorts (gnomAD); This variant is associated with the following publications: (PMID: 25589632, 23975875, 22335739, 32778822, 37904629, 39844436)

Ambry Genetics
Classification: Pathogenic for Cardiovascular phenotype. Last evaluated: 2025-06-05. Review status: criteria provided, single submitter. Criteria: Ambry Variant Classification Scheme 2023. Collection method: clinical testing. Allele origin: germline.
Comment: The p.K22404* pathogenic mutation (also known as c.67210A>T), located in coding exon 167 of the TTN gene, results from an A to T substitution at nucleotide position 67210. This changes the amino acid from a lysine to a stop codon within coding exon 167. This exon is located in the A-band region of the N2-B isoform of the titin protein and is constitutively expressed in TTN transcripts (percent spliced in or PSI 100%). This variant (also referred to as NM_001267550.2:c.94405A>T, p.Lys31469Ter) was reported in individual(s) with features consistent with dilated cardiomyopathy (Perret C et al. Clin Genet. 2024 Feb;105(2):185-189; Ambry internal data). This variant is considered to be rare based on population cohorts in the Genome Aggregation Database (gnomAD). This variant is expected to result in loss of function by premature protein truncation or nonsense-mediated mRNA decay. While truncating variants in TTN are present in 1-3% of the general population, truncating variants in the A-band are the most common cause of dilated cardiomyopathy (Herman DS et al. N. Engl. J. Med., 2012 Feb;366:619-28; Roberts AM et al. Sci Transl Med, 2015 Jan;7:270ra6). TTN truncating variants encoded in constitutive exons (PSI >90%) have been found to be significantly associated with DCM regardless of their position in titin (Schafer S et al. Nat. Genet., 2017 01;49:46-53; Akhtar MM et al. Circ Heart Fail, 2020 Oct;13:e006832; Massier M et al. Clin Genet, 2025 Jan). Based on the supporting evidence, this variant is interpreted as a disease-causing mutation.

Labcorp Genetics (formerly Invitae), Labcorp
Classification: Likely pathogenic for Dilated cardiomyopathy 1G; Autosomal recessive limb-girdle muscular dystrophy type 2J. Last evaluated: 2025-04-24. Review status: criteria provided, single submitter. Criteria: Invitae Variant Classification Sherloc (09022015). Collection method: clinical testing. Allele origin: germline.
Comment: This sequence change creates a premature translational stop signal (p.Lys31469*) in the TTN gene. While this is not anticipated to result in nonsense mediated decay, it is expected to create a truncated TTN protein. This variant is not present in population databases (gnomAD no frequency). This variant has not been reported in the literature in individuals affected with TTN-related conditions. ClinVar contains an entry for this variant (Variation ID: 535055). This variant is located in the A band of TTN (PMID: 25589632). Truncating variants in this region are significantly overrepresented in patients affected with dilated cardiomyopathy (PMID: 25589632). Truncating variants in this region have also been reported in individuals affected with autosomal recessive centronuclear myopathy (PMID: 23975875). In summary, the currently available evidence indicates that the variant is pathogenic, but additional data are needed to prove that conclusively. Therefore, this variant has been classified as Likely Pathogenic.

Cardiogenetics and Myogenetics Molecular and Cellular Functional Unit, Aphp Sorbonne University-Hopital Pitie Salpetriere
Classification: Likely pathogenic for Dilated cardiomyopathy 1G. Last evaluated: 2024-01-06. Review status: no assertion criteria provided. Collection method: clinical testing. Allele origin: germline. Affected: yes. Not counted in ClinVar's aggregate classification.

Literature cited by the submitters: PubMed 37904629 (cited by Ambry Genetics); PubMed 25589632 (cited by Labcorp Genetics (formerly Invitae), Labcorp); PubMed 23975875 (cited by Labcorp Genetics (formerly Invitae), Labcorp).

NM_001267550.2(TTN):c.94405A>T (p.Lys31469Ter)

Genes: TTN-AS1 (TTN antisense RNA 1; plus strand), TTN (titin; minus strand). Cytogenetic location: 2q31.2.
Variant type: single nucleotide variant.
Coding change: c.94405A>T on transcript NM_001267550.2 (MANE Select); coding-DNA position 94405, A replaced by T.
Protein change: p.Lys31469Ter; replaces lysine 31469 with a stop codon.
Molecular consequence: nonsense.
Genome position (GRCh38, 1-based): chr2:178,547,120, T>A on the plus strand (A>T on the coding strand, the complement: TTN is on the minus strand). VCF-style: chr2-178547120-T-A. GRCh37 (hg19) VCF-style: chr2-179411847-T-A.
Other names: c.89482A>T, p.Lys29828Ter (NM_001256850.1); c.67210A>T, p.Lys22404Ter (NM_003319.4); c.86701A>T, p.Lys28901Ter (NM_133378.4); c.67585A>T, p.Lys22529Ter (NM_133432.3); c.67786A>T, p.Lys22596Ter (NM_133437.4); c.94405A>T (NM_001267550.1); short protein forms K31469*, K28901*, K22596*, K29828*, K22529*, K22404*.
Identifiers: ClinVar variation 535055 (VCV000535055.15), dbSNP rs1553524697, ClinGen allele CA349474274.
Genomic context (GRCh38, chr2:178,547,120, plus strand): 5'-CAGCATTGAGTGCATAAGTTCTGAACTGATATTCCAGTCCTTCTACTAAACCAGTTACTT[T>A]GTAGTTGCACTCTAAGCATGGCACTTTGTTTTCTTTCACCCAAAGAATTGTATTACGTTC-3'